The following is an entry in ClinVar:

ClinVar aggregate classification (germline): Uncertain significance. Review status: criteria provided, multiple submitters, no conflicts (2 of 4 stars). 3 submissions from 3 submitters: Uncertain significance (3). Last evaluated 2024-01-23.

Conditions:
OFD1-related ciliopathy. Identifiers: MedGen CN379779, MONDO:1040039.

Allele frequency attached by ClinVar (database versions not stated): gnomAD exomes 0.00001 and 0.00002.
gnomAD v4.1: 8 of 1,211,355 alleles (0.00066%); highest among the groups gnomAD compares: Non-Finnish European, 0.00078%; no homozygotes.

Submissions (3):

Blueprint Genetics
Classification: Uncertain significance. Last evaluated: 2024-01-23. Review status: criteria provided, single submitter. Criteria: ACMG Guidelines, 2015. Collection method: clinical testing. Allele origin: germline.

GeneDx
Classification: Uncertain significance. Last evaluated: 2023-11-01. Review status: criteria provided, single submitter. Criteria: GeneDx Variant Classification Process June 2021. Collection method: clinical testing. Allele origin: germline. Affected: yes.
Comment: In silico analysis supports that this missense variant does not alter protein structure/function; Has not been previously published as pathogenic or benign to our knowledge

Illumina Laboratory Services, Illumina
Classification: Uncertain significance for OFD1-related ciliopathy. Last evaluated: 2021-12-09. Review status: criteria provided, single submitter. Criteria: ICSLVariantClassificationCriteria RUGD 01 April 2020. Collection method: clinical testing. Allele origin: unknown.
Comment: The OFD1 c.2224G>A (p.Ala742Thr) missense variant results in the substitution of alanine at amino acid position 742 with threonine. To our knowledge, this variant has not been reported in the peer-reviewed literature. The highest frequency of this allele in the Genome Aggregation Database is 0.000013 in the European (non-Finnish) population (version 2.1.1). Based on the available evidence, the c.2224G>A (p.Ala742Thr) variant is classified as a variant of uncertain significance for OFD1-related ciliopathy.

NM_003611.3(OFD1):c.2224G>A (p.Ala742Thr)

Gene: OFD1 (OFD1 centriole and centriolar satellite protein; plus strand). Cytogenetic location: Xp22.2.
Variant type: single nucleotide variant.
Coding change: c.2224G>A on transcript NM_003611.3 (MANE Select); coding-DNA position 2224, G replaced by A.
Protein change: p.Ala742Thr; replaces alanine 742 with threonine.
Molecular consequence: missense variant.
Genome position (GRCh38, 1-based): chrX:13,760,684, G>A. VCF-style: chrX-13760684-G-A. GRCh37 (hg19) VCF-style: chrX-13778803-G-A.
Other names: c.2224G>A (NM_003611.2); c.2104G>A, p.Ala702Thr (NM_001330209.2); c.1804G>A, p.Ala602Thr (NM_001330210.2); short protein forms A602T, A702T, A742T.
Identifiers: ClinVar variation 1693308 (VCV001693308.5), dbSNP rs1569151549, ClinGen allele CA412344770.